The following is an entry in ClinVar:

ClinVar aggregate classification (germline): Uncertain significance (1 of 4 stars; one submission).

Conditions:
Neurodevelopmental disorder with or without anomalies of the brain, eye, or heart (NEDBEH). Identifiers: Orphanet 494344, MedGen C5567477, MONDO:0014857, OMIM 616975.

Submission:

Broad Center for Mendelian Genomics, Broad Institute of MIT and Harvard
Classification: Uncertain significance for Neurodevelopmental disorder with or without anomalies of the brain, eye, or heart. Last evaluated: 2018-12-03. Review status: criteria provided, single submitter. Criteria: ACMG Guidelines, 2015. Collection method: research. Allele origin: germline. Inheritance: Autosomal dominant inheritance. Affected: yes.
Comment: This variant was absent from large population studies. Computational prediction tools and conservation analyses suggest that this variant may impact the protein, though this information is not predictive enough to determine pathogenicity. The RERE gene has a low rate of missense variation, raising the possibility that this missense variant would not be tolerated. In summary, the clinical significance of the p.Tyr236Cys variant is uncertain. ACMG/AMP Criteria applied: PM2, PP2, PP3 (Richards 2015).

NM_001042681.2(RERE):c.707A>G (p.Tyr236Cys)

Gene: RERE (arginine-glutamic acid dipeptide repeats; minus strand). Cytogenetic location: 1p36.23.
Variant type: single nucleotide variant.
Coding change: c.707A>G on transcript NM_001042681.2 (MANE Select); coding-DNA position 707, A replaced by G.
Protein change: p.Tyr236Cys; replaces tyrosine 236 with cysteine.
Molecular consequence: missense variant.
Genome position (GRCh38, 1-based): chr1:8,556,493, T>C on the plus strand (A>G on the coding strand, the complement: RERE is on the minus strand). VCF-style: chr1-8556493-T-C. GRCh37 (hg19) VCF-style: chr1-8616552-T-C.
Other names: c.707A>G, p.Tyr236Cys (NM_012102.4); short protein forms Y236C.
Identifiers: ClinVar variation 813923 (VCV000813923.1), dbSNP rs1570434132, ClinGen allele CA338224475.